The following is an entry in ClinVar:

ClinVar aggregate classification (germline): Pathogenic/Likely pathogenic. Review status: criteria provided, multiple submitters, no conflicts (2 of 4 stars). 9 submissions from 7 submitters: Pathogenic (4); Likely pathogenic (2). 3 of the submissions do not count toward it. Last evaluated 2025-11-25.

Conditions:
PEX5-related disorder. Also called: PEX5-related condition; PEX5-Related Disorders.
Rhizomelic chondrodysplasia punctata type 5 (RCDP5). Identifiers: Orphanet 468717, MedGen C4225237, MONDO:0014743, OMIM 616716.
Peroxisome biogenesis disorder 2A (Zellweger) (PBD2A). Also called: Cerebrohepatorenal syndrome, variant types. Identifiers: Orphanet 912, MedGen C3550273, MONDO:0008954, OMIM 214110.
Peroxisome biogenesis disorder 2B (PBD2B). Identifiers: Orphanet 44, MedGen C3550234, MONDO:0008736, OMIM 202370.

Allele frequency attached by ClinVar (database versions not stated): gnomAD exomes below 0.00001.
gnomAD v4.1: 2 of 1,568,116 alleles (0.00013%); highest among the groups gnomAD compares: Middle Eastern, 0.034%; no homozygotes.

Submissions (9):

PreventionGenetics, part of Exact Sciences
Classification: Likely pathogenic for PEX5-related condition. Last evaluated: 2025-11-25. Review status: criteria provided, single submitter. Criteria: ACMG Guidelines, 2015. Collection method: clinical testing. Allele origin: germline.
Comment: The PEX5 c.1578T>G variant is predicted to result in the amino acid substitution p.Asn526Lys. This variant was reported in the homozygous state in an individuals with peroxisomal biogenesis disorder (reported as Asn489Lys, Dodt et al. 1995. PubMed ID: 7719337; Supplementary table 1, AlAbdi et al. 2023. PubMed ID: 37644014). Functional studies indicate this variant impairs import of the PTS1 protein (Dodt et al. 1995. PubMed ID: 7719337). This variant has not been reported in a large population database (gnomAD), indicating this variant is rare. This variant is interpreted as likely pathogenic.

GeneDx
Classification: Pathogenic. Last evaluated: 2025-08-28. Review status: criteria provided, single submitter. Criteria: GeneDx Variant Classification Process June 2021. Collection method: clinical testing. Allele origin: germline. Affected: yes.
Comment: Published functional studies demonstrate a damaging effect (PMID: 7719337, 10462504, 17532062); In silico analysis supports that this missense variant has a deleterious effect on protein structure/function; Not observed at significant frequency in large population cohorts (gnomAD); This variant is associated with the following publications: (PMID: 31130284, 17532062, 34645488, 7719337, 10462504, 18712838, 11101887, 37644014)

Genomic Medicine Center of Excellence, King Faisal Specialist Hospital and Research Centre
Classification: Pathogenic for Rhizomelic chondrodysplasia punctata type 5. Last evaluated: 2024-12-18. Review status: criteria provided, single submitter. Criteria: ACMG Guidelines, 2015. Collection method: clinical testing. Allele origin: germline.

Genomic Medicine Center of Excellence, King Faisal Specialist Hospital and Research Centre
Classification: Pathogenic for Peroxisome biogenesis disorder 2A (Zellweger). Last evaluated: 2023-05-08. Review status: criteria provided, single submitter. Criteria: ACMG Guidelines, 2015. Collection method: research. Allele origin: germline. Affected: yes.

Revvity Omics, Revvity
Classification: Likely pathogenic. Last evaluated: 2021-11-19. Review status: criteria provided, single submitter. Criteria: ACMG Guidelines, 2015. Collection method: clinical testing. Allele origin: germline.

Baylor Genetics
Classification: Pathogenic for Peroxisome biogenesis disorder 2A (Zellweger). Last evaluated: 2020-05-15. Review status: criteria provided, single submitter. Criteria: ACMG Guidelines, 2015. Collection method: clinical testing. Allele origin: unknown. Affected: yes.
Comment: This variant was determined to be pathogenic according to ACMG Guidelines, 2015 [PMID:25741868].

Biochemical Molecular Genetic Laboratory, King Abdulaziz Medical City
Classification: Pathogenic for Peroxisome biogenesis disorder 2A (Zellweger). Last evaluated: 2018-06-26. Review status: no assertion criteria provided. Collection method: clinical testing. Allele origin: germline. Affected: yes. Not counted in ClinVar's aggregate classification.

Biochemical Molecular Genetic Laboratory, King Abdulaziz Medical City
Classification: Pathogenic for Peroxisome biogenesis disorder 2B. Last evaluated: 2018-06-26. Review status: no assertion criteria provided. Collection method: clinical testing. Allele origin: germline. Affected: yes. Not counted in ClinVar's aggregate classification.

OMIM
Classification: Pathogenic for PEROXISOME BIOGENESIS DISORDER 2B. Last evaluated: 1995-02-01. Review status: no assertion criteria provided. Collection method: literature only. Allele origin: germline. Not counted in ClinVar's aggregate classification.

Literature cited by the submitters: PubMed 7719337 (cited by OMIM).

NM_001351132.2(PEX5):c.1578T>G (p.Asn526Lys)

Gene: PEX5 (peroxisomal biogenesis factor 5; plus strand). Cytogenetic location: 12p13.31.
Variant type: single nucleotide variant.
Coding change: c.1578T>G on transcript NM_001351132.2 (MANE Select); coding-DNA position 1578, T replaced by G.
Protein change: p.Asn526Lys; replaces asparagine 526 with lysine.
Molecular consequence: missense variant.
Genome position (GRCh38, 1-based): chr12:7,209,700, T>G. VCF-style: chr12-7209700-T-G. GRCh37 (hg19) VCF-style: chr12-7362296-T-G.
Other names: c.1554T>G, p.Asn518Lys (NM_000319.5); c.1623T>G, p.Asn541Lys (NM_001131023.2); c.1467T>G, p.Asn489Lys (NM_001131024.2, NM_001351124.3, NM_001351126.2 and 7 more transcripts); c.1578T>G, p.Asn526Lys (NM_001131025.2, NM_001131026.2, NM_001300789.3 and 4 more transcripts); c.1512T>G, p.Asn504Lys (NM_001351135.3, NM_001351138.2); c.1569T>G, p.Asn523Lys (NM_001351136.2); c.1443T>G, p.Asn481Lys (NM_001351139.2, NM_001351140.2, NM_001374649.2); short protein forms N489K, N518K, N526K, N541K, N547K, N523K, N481K, N504K.
Identifiers: ClinVar variation 9143 (VCV000009143.11), dbSNP rs61752138, ClinGen allele CA254664.